The following is an entry in ClinVar:

NM_003001.5(SDHC):c.454G>A (p.Gly152Arg)

Gene: SDHC (succinate dehydrogenase complex subunit C; plus strand). Cytogenetic location: 1q23.3.
Variant type: single nucleotide variant.
Coding change: c.454G>A on transcript NM_003001.5 (MANE Select); coding-DNA position 454, G replaced by A.
Protein change: p.Gly152Arg; replaces glycine 152 with arginine.
Molecular consequence: missense variant. On other transcripts: nonsense (3).
Genome position (GRCh38, 1-based): chr1:161,362,377, G>A. VCF-style: chr1-161362377-G-A. GRCh37 (hg19) VCF-style: chr1-161332167-G-A.
Other names: c.290G>A, p.Trp97Ter (NM_001035511.3); c.352G>A, p.Gly118Arg (NM_001035512.3); c.295G>A, p.Gly99Arg (NM_001035513.3); c.188G>A, p.Trp63Ter (NM_001278172.3); c.574G>A, p.Gly192Arg (NM_001407115.1); c.397G>A, p.Gly133Arg (NM_001407116.1); c.391G>A, p.Gly131Arg (NM_001407117.1); c.346G>A, p.Gly116Arg (NM_001407118.1); and 2 more; short protein forms G152R, W97*, W63*, G99R, G118R, G115R, G116R, G192R.
Identifiers: ClinVar variation 572810 (VCV000572810.10), dbSNP rs1558185932, ClinGen allele CA343457774.

ClinVar aggregate classification (germline): Uncertain significance. Review status: criteria provided, multiple submitters, no conflicts (2 of 4 stars). 2 submissions from 2 submitters: Uncertain significance (2). Last evaluated 2024-11-11.

Conditions:
Hereditary cancer-predisposing syndrome. Also called: Hereditary Cancer Syndrome; Tumor predisposition; Neoplastic Syndromes, Hereditary; Hereditary neoplastic syndrome. Identifiers: Orphanet 140162, MedGen C0027672, MeSH D009386, MONDO:0015356.
Gastrointestinal stromal tumor. Also called: Gastrointestinal stromal tumor, somatic; Gastrointestinal stroma tumor. Identifiers: Orphanet 44890, MedGen C0238198, MeSH D046152, MONDO:0011719, OMIM 606764, HP:0100723.
Pheochromocytoma/paraganglioma syndrome 3. Also called: SDHC-Related Hereditary Paraganglioma-Pheochromocytoma Syndrome (Paragangliomas 3); SDHC-Related Hereditary Paraganglioma-Pheochromocytoma Syndrome; Paragangliomas 3; GLOMUS TUMORS, FAMILIAL, 3. Identifiers: Orphanet 29072, MedGen C1854336, MONDO:0011544, OMIM 605373.

Allele frequency attached by ClinVar (database versions not stated): TOPMed below 0.00001.

Submissions (2):

Labcorp Genetics (formerly Invitae), Labcorp
Classification: Uncertain significance for Pheochromocytoma/paraganglioma syndrome 3; Gastrointestinal stromal tumor. Last evaluated: 2024-11-11. Review status: criteria provided, single submitter. Criteria: Invitae Variant Classification Sherloc (09022015). Collection method: clinical testing. Allele origin: germline.
Comment: This sequence change replaces glycine, which is neutral and non-polar, with arginine, which is basic and polar, at codon 152 of the SDHC protein (p.Gly152Arg). This variant is not present in population databases (gnomAD no frequency). This missense change has been observed in individual(s) with clinical features of SDHC-related conditions (internal data). ClinVar contains an entry for this variant (Variation ID: 572810). Invitae Evidence Modeling of protein sequence and biophysical properties (such as structural, functional, and spatial information, amino acid conservation, physicochemical variation, residue mobility, and thermodynamic stability) indicates that this missense variant is expected to disrupt SDHC protein function with a positive predictive value of 80%. In summary, the available evidence is currently insufficient to determine the role of this variant in disease. Therefore, it has been classified as a Variant of Uncertain Significance.

Ambry Genetics
Classification: Uncertain significance for Hereditary cancer-predisposing syndrome. Last evaluated: 2022-08-18. Review status: criteria provided, single submitter. Criteria: Ambry Variant Classification Scheme 2023. Collection method: clinical testing. Allele origin: germline.
Comment: The p.G152R variant (also known as c.454G>A), located in coding exon 6 of the SDHC gene, results from a G to A substitution at nucleotide position 454. The glycine at codon 152 is replaced by arginine, an amino acid with dissimilar properties. This amino acid position is highly conserved in available vertebrate species. In addition, this alteration is predicted to be deleterious by in silico analysis. Since supporting evidence is limited at this time, the clinical significance of this alteration remains unclear.